The following is an entry in ClinVar:

ClinVar aggregate classification (germline): Uncertain significance. Review status: criteria provided, multiple submitters, no conflicts (2 of 4 stars). 3 submissions from 3 submitters: Uncertain significance (3). Last evaluated 2023-03-27.

Conditions:
Ehlers-Danlos syndrome, classic type, 1 (EDSCL1). Also called: Ehlers-Danlos Syndrome, Classic Type, COL5A1-Related; EHLERS-DANLOS SYNDROME, GRAVIS TYPE; EHLERS-DANLOS SYNDROME, SEVERE CLASSIC TYPE; Ehlers-Danlos syndrome, type 1; EDS I. Identifiers: MedGen C0268335, MONDO:0019567, OMIM 130000.
COL5A2-related disorder. Also called: COL5A2-related condition.

gnomAD v4.1: 1 of 1,614,126 alleles (0.000062%); highest among the groups gnomAD compares: Non-Finnish European, 0.000085%; no homozygotes.

Submissions (3):

PreventionGenetics, part of Exact Sciences
Classification: Uncertain significance for COL5A2-related condition. Last evaluated: 2023-03-27. Review status: criteria provided, single submitter. Criteria: ACMG Guidelines, 2015. Collection method: clinical testing. Allele origin: germline.
Comment: The COL5A2 c.162G>T variant is predicted to result in the amino acid substitution p.Trp54Cys. To our knowledge, this variant has not been reported in the literature or in a large population database, indicating this variant is rare. At this time, the clinical significance of this variant is uncertain due to the absence of conclusive functional and genetic evidence.

Labcorp Genetics (formerly Invitae), Labcorp
Classification: Uncertain significance for Ehlers-Danlos syndrome, classic type, 1. Last evaluated: 2022-11-23. Review status: criteria provided, single submitter. Criteria: Invitae Variant Classification Sherloc (09022015). Collection method: clinical testing. Allele origin: germline.
Comment: This variant has not been reported in the literature in individuals affected with COL5A2-related conditions. ClinVar contains an entry for this variant (Variation ID: 213133). Algorithms developed to predict the effect of missense changes on protein structure and function (SIFT, PolyPhen-2, Align-GVGD) all suggest that this variant is likely to be disruptive. In summary, the available evidence is currently insufficient to determine the role of this variant in disease. Therefore, it has been classified as a Variant of Uncertain Significance. This variant is not present in population databases (gnomAD no frequency). This sequence change replaces tryptophan, which is neutral and slightly polar, with cysteine, which is neutral and slightly polar, at codon 54 of the COL5A2 protein (p.Trp54Cys).

GeneDx
Classification: Uncertain significance. Last evaluated: 2012-11-29. Review status: criteria provided, single submitter. Criteria: GeneDx Variant Classification (06012015). Collection method: clinical testing. Allele origin: germline. Affected: yes.
Comment: TAAD is a genetically heterogeneous disorder characterized by aortic dilatation, aneurysms, dissections and/or aneurysms of other major arteries. Approximately 4% of patients with autosomal dominant Ehlers-Danlos syndrome, classic type, have been reported to have a mutation in the COL5A2 gene (Malfait F et al., 2011).p.Trp54Cys (TGG>TGT): c.162 G>T in exon 2 of the COL5A2 gene (NM_000393.3)The Trp54Cys variant in the COL5A2 gene has not been reported as a disease-causing mutation or as a benign polymorphism to our knowledge. Trp54Cys results in a non-conservative amino acid substitution of a non-polar Tryptophan with a polar Cysteine at a position that is conserved across species. In silico analysis predicts Trp54Cys is probably damaging to the protein structure/function. The NHLBI ESP Exome Variant Server reports Trp54Cys was not observed in approximately 6,000 samples from individuals of European and African American backgrounds, indicating it is not a common benign variant in these populations. Nevertheless, no mutations in nearby codons have been reported in association with Ehlers Danlos syndrome, indicating this region of the protein may be tolerant of change. With the clinical and molecular information available at this time, we cannot definitively determine if Trp54Cys is a disease-causing mutation or a rare benign variant. This variant was found in TAAD.

NM_000393.5(COL5A2):c.162G>T (p.Trp54Cys)

Gene: COL5A2 (collagen type V alpha 2 chain; minus strand). Cytogenetic location: 2q32.2.
Variant type: single nucleotide variant.
Coding change: c.162G>T on transcript NM_000393.5 (MANE Select); coding-DNA position 162, G replaced by T.
Protein change: p.Trp54Cys; replaces tryptophan 54 with cysteine.
Molecular consequence: missense variant.
Genome position (GRCh38, 1-based): chr2:189,110,385, C>A on the plus strand (G>T on the coding strand, the complement: COL5A2 is on the minus strand). VCF-style: chr2-189110385-C-A. GRCh37 (hg19) VCF-style: chr2-189975111-C-A.
Other names: p.W54C:TGG>TGT; c.162G>T (NM_000393.4); short protein forms W54C.
Identifiers: ClinVar variation 213133 (VCV000213133.6), dbSNP rs863223500, ClinGen allele CA320053.